The following is an entry in ClinVar:

ClinVar aggregate classification (germline): Uncertain significance (1 of 4 stars; one submission).

Conditions:
Ataxia-telangiectasia syndrome (AT). Also called: Ataxia-telangiectasia; AT, COMPLEMENTATION GROUP C; ATAXIA-TELANGIECTASIA, COMPLEMENTATION GROUP A; ATAXIA-TELANGIECTASIA, FRESNO VARIANT; Ataxia-telangiectasia, complementation group E; LOUIS-BAR SYNDROME. Identifiers: Orphanet 100, MedGen C0004135, MONDO:0008840, OMIM 208900.

Submission:

Labcorp Genetics (formerly Invitae), Labcorp
Classification: Uncertain significance for Ataxia-telangiectasia syndrome. Last evaluated: 2025-04-14. Review status: criteria provided, single submitter. Criteria: Invitae Variant Classification Sherloc (09022015). Collection method: clinical testing. Allele origin: germline.
Comment: This sequence change replaces threonine, which is neutral and polar, with asparagine, which is neutral and polar, at codon 714 of the ATM protein (p.Thr714Asn). This variant is not present in population databases (gnomAD no frequency). This variant has not been reported in the literature in individuals affected with ATM-related conditions. ClinVar contains an entry for this variant (Variation ID: 2118076). Invitae Evidence Modeling of protein sequence and biophysical properties (such as structural, functional, and spatial information, amino acid conservation, physicochemical variation, residue mobility, and thermodynamic stability) indicates that this missense variant is not expected to disrupt ATM protein function with a negative predictive value of 95%. In summary, the available evidence is currently insufficient to determine the role of this variant in disease. Therefore, it has been classified as a Variant of Uncertain Significance.

NM_000051.4(ATM):c.2141C>A (p.Thr714Asn)

Gene: ATM (ATM serine/threonine kinase; plus strand). Cytogenetic location: 11q22.3.
Variant type: single nucleotide variant.
Coding change: c.2141C>A on transcript NM_000051.4 (MANE Select); coding-DNA position 2141, C replaced by A.
Protein change: p.Thr714Asn; replaces threonine 714 with asparagine.
Molecular consequence: missense variant.
Genome position (GRCh38, 1-based): chr11:108,256,231, C>A. VCF-style: chr11-108256231-C-A. GRCh37 (hg19) VCF-style: chr11-108126958-C-A.
Other names: c.2141C>A, p.Thr714Asn (NM_001351834.2); short protein forms T714N.
Identifiers: ClinVar variation 2118076 (VCV002118076.4), dbSNP rs1555074846, ClinGen allele CA382538694.